The following is an entry in ClinVar:

ClinVar aggregate classification (germline): Pathogenic. Review status: reviewed by expert panel (3 of 4 stars). 4 submissions from 4 submitters: Pathogenic (1). 3 of the submissions do not count toward it. Last evaluated 2026-09-26.

Conditions:
Juvenile retinoschisis (RS1). Also called: X-linked retinoschisis; X-Linked Juvenile Retinoschisis. Identifiers: Orphanet 792, MedGen C3714753, MONDO:0010725, OMIM 312700.
RS1-related disorder. Also called: RS1-related condition.

Submissions (4):

ClinGen X-linked Inherited Retinal Disease Variant Curation Expert Panel, ClinGen
Classification: Pathogenic for Juvenile retinoschisis. Last evaluated: 2026-09-26. Review status: reviewed by expert panel. Criteria: ClinGen X LinkedIRD ACMG Specifications RS1 V1.0.0. Collection method: curation. Allele origin: germline. Inheritance: X-linked inheritance.
Comment: The NM_000330.4(RS1): c.365G>A variant is a nonsense variant in amino acid 122, which results in a premature stop codon and initiates the nonsense-mediated decay pathway. This is a nonsense variant that introduces a premature stop codon between amino acids 1-223 that is predicted to either trigger nonsense-mediated decay or to disrupt a critical C-terminal region required for proper multimerization of RS1 (PVS1, PMID: 19849666). This variant is absent from hemizygous individuals in gnomAD v4.1.0 (PM2_Supporting). This variant has been reported in at least 2 unrelated probands meeting one of the PS4 requirements of a male diagnosed with XLRS (PMID: 26655612 and Stepanova et al., 2021, PS4_supporting). In summary, this variant is classified as pathogenic for X-linked retinoschisis based on the ClinGen X-linked Inherited Retinal Disease Expert Panel Specifications to the ACMG/AMP Variant Interpretation Guidelines for RS1 Version 1.0.0: PM2_supporting, PVS1, and PS4_supporting.

PreventionGenetics, part of Exact Sciences
Classification: Pathogenic for RS1-related condition. Last evaluated: 2026-04-30. Review status: criteria provided, single submitter. Criteria: ACMG Guidelines, 2015. Collection method: clinical testing. Allele origin: germline. Not counted in ClinVar's aggregate classification.
Comment: The RS1 c.365G>A variant is predicted to result in premature protein termination (p.Trp122*). This variant has been reported in an individual with retinoschisis (Table S4, Hahn et al. 2021. PubMed ID: 34624300). This variant is absent in a large population database (gnomAD), indicating this variant is rare. Nonsense variants in RS1 are an established mechanism of disease. This variant is interpreted as pathogenic.

Labcorp Genetics (formerly Invitae), Labcorp
Classification: Pathogenic. Last evaluated: 2024-12-23. Review status: criteria provided, single submitter. Criteria: Invitae Variant Classification Sherloc (09022015). Collection method: clinical testing. Allele origin: germline. Not counted in ClinVar's aggregate classification.
Comment: This sequence change creates a premature translational stop signal (p.Trp122*) in the RS1 gene. It is expected to result in an absent or disrupted protein product. Loss-of-function variants in RS1 are known to be pathogenic (PMID: 9618178, 17172462). This variant is not present in population databases (gnomAD no frequency). This premature translational stop signal has been observed in individual(s) with X-linked retinoschisis (PMID: 34624300). For these reasons, this variant has been classified as Pathogenic.

Women's Health and Genetics/Laboratory Corporation of America, LabCorp
Classification: Pathogenic for Juvenile retinoschisis. Last evaluated: 2024-06-27. Review status: criteria provided, single submitter. Criteria: LabCorp Variant Classification Summary - May 2015. Collection method: clinical testing. Allele origin: germline. Not counted in ClinVar's aggregate classification.
Comment: Variant summary: RS1 c.365G>A (p.Trp122X) results in a premature termination codon, predicted to cause a truncation of the encoded protein or absence of the protein due to nonsense mediated decay, which are commonly known mechanisms for disease. The variant was absent in 183465 control chromosomes. To our knowledge, no occurrence of c.365G>A in individuals affected with Juvenile Retinoschisis and no experimental evidence demonstrating its impact on protein function have been reported. No submitters have cited clinical-significance assessments for this variant to ClinVar. Based on the evidence outlined above, the variant was classified as pathogenic.

Literature cited by the submitters: PubMed 9618178 (cited by Labcorp Genetics (formerly Invitae), Labcorp); PubMed 17172462 (cited by Labcorp Genetics (formerly Invitae), Labcorp); PubMed 34624300 (cited by Labcorp Genetics (formerly Invitae), Labcorp).

NM_000330.4(RS1):c.365G>A (p.Trp122Ter)

Genes: CDKL5 (cyclin dependent kinase like 5; plus strand), RS1 (retinoschisin 1; minus strand). Cytogenetic location: Xp22.13.
Variant type: single nucleotide variant.
Coding change: c.365G>A on transcript NM_000330.4 (MANE Select); coding-DNA position 365, G replaced by A.
Protein change: p.Trp122Ter; replaces tryptophan 122 with a stop codon.
Molecular consequence: nonsense. On other transcripts: intron variant (2).
Genome position (GRCh38, 1-based): chrX:18,644,587, C>T on the plus strand (G>A on the coding strand, the complement: RS1 is on the minus strand). VCF-style: chrX-18644587-C-T. GRCh37 (hg19) VCF-style: chrX-18662707-C-T.
Other names: NM_003159.3:c.2714-1420C>T; c.2714-1420C>T (NM_003159.3, NM_001037343.2); short protein forms W122*.
Identifiers: ClinVar variation 3339552 (VCV003339552.4).
Genomic context (GRCh38, chrX:18,644,587, plus strand): 5'-CAGCGCCCCTGGGTGAGGATCCCTGAAATCACTTTGATCTCCTTCAGATCTATCTGTAAC[C>T]ACTGGCTACTGTCCTGGAACTTGGAGAGCCAGGCACACCTGCCGAGAACATACCGAGTCA-3'